The following is an entry in ClinVar:

ClinVar aggregate classification (germline): Uncertain significance. Review status: criteria provided, multiple submitters, no conflicts (2 of 4 stars). 2 submissions from 2 submitters: Uncertain significance (2). Last evaluated 2025-08-29.

Conditions:
Neurofibromatosis, type 1 (NF1). Also called: VON RECKLINGHAUSEN DISEASE; NEUROFIBROMATOSIS, TYPE I, SOMATIC; Neurofibromatosis, type I; Peripheral type neurofibromatosis. Identifiers: Orphanet 636, MedGen C0027831, MONDO:0018975, OMIM 162200. Disease mechanism: loss of function.
Cardiovascular phenotype. Identifiers: MedGen CN230736.
Hereditary cancer-predisposing syndrome. Also called: Neoplastic Syndromes, Hereditary; Tumor predisposition; Hereditary Cancer Syndrome; Hereditary neoplastic syndrome. Identifiers: Orphanet 140162, MedGen C0027672, MeSH D009386, MONDO:0015356.

Submissions (2):

Ambry Genetics
Classification: Uncertain significance for Cardiovascular phenotype; Hereditary cancer-predisposing syndrome. Last evaluated: 2025-08-29. Review status: criteria provided, single submitter. Criteria: Ambry Variant Classification Scheme 2023. Collection method: clinical testing. Allele origin: germline.
Comment: The c.4029_4030insTTT variant (also known as p.T1343_E1344insF), located in coding exon 30 of the NF1 gene, results from an in-frame TTT insertion at nucleotide positions 4029 to 4030. This results in the insertion of an extra phenylalanine residue between codons 1343 and 1344. This amino acid position is well conserved in available vertebrate species. In addition, this variant is predicted to be deleterious by in silico analysis (Choi Y et al. PLoS ONE. 2012; 7(10):e46688). Based on the available evidence, the clinical significance of this variant remains unclear.

Labcorp Genetics (formerly Invitae), Labcorp
Classification: Uncertain significance for Neurofibromatosis, type 1. Last evaluated: 2023-02-06. Review status: criteria provided, single submitter. Criteria: Invitae Variant Classification Sherloc (09022015). Collection method: clinical testing. Allele origin: germline.
Comment: In summary, the available evidence is currently insufficient to determine the role of this variant in disease. Therefore, it has been classified as a Variant of Uncertain Significance. This variant, c.4029_4030insTTT, results in the insertion of 1 amino acid(s) of the NF1 protein (p.Thr1343_Glu1344insPhe), but otherwise preserves the integrity of the reading frame. This variant is not present in population databases (gnomAD no frequency). This variant has not been reported in the literature in individuals affected with NF1-related conditions.

NM_001042492.3(NF1):c.4029_4030insTTT (p.Thr1343_Glu1344insPhe)

Gene: NF1 (neurofibromin 1; plus strand). Cytogenetic location: 17q11.2.
Variant type: Insertion.
Coding change: c.4029_4030insTTT on transcript NM_001042492.3 (MANE Select); coding-DNA positions 4029 to 4030, TTT inserted.
Protein change: p.Thr1343_Glu1344insPhe.
Molecular consequence: inframe insertion. On other transcripts: inframe indel (1).
Genome position: GRCh38 VCF-style: chr17-31249037-C-CTTT. GRCh37 (hg19) VCF-style: chr17-29576055-C-CTTT.
Other names: c.4029_4030insTTT, p.Thr1343_Glu1344insPhe (NM_000267.4).
Identifiers: ClinVar variation 2834931 (VCV002834931.4), dbSNP rs2508351571, ClinGen allele CA2739267387.